The following is an entry in ClinVar:

ClinVar aggregate classification (germline): Uncertain significance (1 of 4 stars; one submission).

Submission:

Ambry Genetics
Classification: Uncertain significance. Last evaluated: 2026-04-25. Review status: criteria provided, single submitter. Criteria: Ambry Variant Classification Scheme 2023. Collection method: clinical testing. Allele origin: germline.
Comment: The p.I1017V variant (also known as c.3049A>G), located in coding exon 27 of the KIF1B gene, results from an A to G substitution at nucleotide position 3049. The isoleucine at codon 1017 is replaced by valine, an amino acid with highly similar properties. This amino acid position is conserved. In addition, this alteration is predicted to be tolerated by in silico analysis. Based on the available evidence, the clinical significance of this variant remains unclear.

NM_001365951.3(KIF1B):c.3187A>G (p.Ile1063Val)

Gene: KIF1B (kinesin family member 1B; plus strand). Cytogenetic location: 1p36.22.
Variant type: single nucleotide variant.
Coding change: c.3187A>G on transcript NM_001365951.3 (MANE Select); coding-DNA position 3187, A replaced by G.
Protein change: p.Ile1063Val; replaces isoleucine 1063 with valine.
Molecular consequence: missense variant.
Genome position (GRCh38, 1-based): chr1:10,337,131, A>G. VCF-style: chr1-10337131-A-G. GRCh37 (hg19) VCF-style: chr1-10397189-A-G.
Other names: c.3187A>G, p.Ile1063Val (NM_001365952.1); c.3049A>G, p.Ile1017Val (NM_015074.3); short protein forms I1017V, I1063V.
Identifiers: ClinVar variation 4858848 (VCV004858848.1).